The following is an entry in ClinVar:

ClinVar aggregate classification (germline): Benign. Review status: criteria provided, multiple submitters, no conflicts (2 of 4 stars). 22 submissions from 15 submitters: Benign (19). 3 of the submissions do not count toward it. Last evaluated 2026-02-04.

Conditions:
Cardiovascular phenotype. Identifiers: MedGen CN230736.
Dilated cardiomyopathy 1G (CMD1G). Identifiers: Orphanet 154, MedGen C1858763, MONDO:0011400, OMIM 604145.
Autosomal recessive limb-girdle muscular dystrophy type 2J (LGMDR10). Also called: MUSCULAR DYSTROPHY, LIMB-GIRDLE, AUTOSOMAL RECESSIVE 10; Limb-girdle muscular dystrophy, type 2J. Identifiers: Orphanet 140922, MedGen C1837342, MONDO:0012127, OMIM 608807.
Early-onset myopathy with fatal cardiomyopathy (CMYO5). Also called: CONGENITAL MYOPATHY 5 WITH CARDIOMYOPATHY; Salih Myopathy. Identifiers: Orphanet 289377, MedGen C2673677, MONDO:0012714, OMIM 611705. Disease mechanism: loss of function.
Myopathy, myofibrillar, 9, with early respiratory failure (MFM9). Also called: Myopathy, distal, with early respiratory failure, autosomal dominant; Hereditary myopathy with early respiratory failure; MYOPATHY, PROXIMAL, WITH EARLY RESPIRATORY MUSCLE INVOLVEMENT; EDSTROM MYOPATHY. Identifiers: Orphanet 178464, Orphanet 34521, MedGen C1863599, MONDO:0011362, OMIM 603689.
Tibial muscular dystrophy (TMD). Also called: Udd Distal Myopathy – Tibial Muscular Dystrophy; Tibial muscular dystrophy, tardive; UDD MYOPATHY. Identifiers: Orphanet 609, MedGen C1838244, MONDO:0010870, OMIM 600334.

Allele frequency attached by ClinVar (database versions not stated): gnomAD exomes 0.04356 and 0.02953; ESP Exome Variant Server 0.05019; gnomAD 0.05683 and 0.05620; 1000 Genomes Project 30x 0.09041; 1000 Genomes Project 0.09125; ExAC 0.04429; TOPMed 0.06263.
gnomAD v4.1: 52,350 of 1,613,774 alleles (3.2%); highest among the groups gnomAD compares: East Asian, 18%; 1,926 homozygotes.

Submissions (22):

Labcorp Genetics (formerly Invitae), Labcorp
Classification: Benign for Dilated cardiomyopathy 1G; Autosomal recessive limb-girdle muscular dystrophy type 2J. Last evaluated: 2026-02-04. Review status: criteria provided, single submitter. Criteria: Invitae Variant Classification Sherloc (09022015). Collection method: clinical testing. Allele origin: germline.

Molecular Diagnostic Laboratory for Inherited Cardiovascular Disease, Montreal Heart Institute
Classification: Benign. Last evaluated: 2025-04-09. Review status: criteria provided, single submitter. Criteria: ACMG Guidelines, 2015. Collection method: clinical testing. Allele origin: germline. Affected: no.

Genome-Nilou Lab
Classification: Benign for Autosomal recessive limb-girdle muscular dystrophy type 2J. Last evaluated: 2021-09-10. Review status: criteria provided, single submitter. Criteria: ACMG Guidelines, 2015. Collection method: clinical testing. Allele origin: germline. Affected: no.

Genome-Nilou Lab
Classification: Benign for Myopathy, myofibrillar, 9, with early respiratory failure. Last evaluated: 2021-09-10. Review status: criteria provided, single submitter. Criteria: ACMG Guidelines, 2015. Collection method: clinical testing. Allele origin: germline. Affected: no.

Genome-Nilou Lab
Classification: Benign for Early-onset myopathy with fatal cardiomyopathy. Last evaluated: 2021-09-10. Review status: criteria provided, single submitter. Criteria: ACMG Guidelines, 2015. Collection method: clinical testing. Allele origin: germline. Affected: no.

Genome-Nilou Lab
Classification: Benign for Tibial muscular dystrophy. Last evaluated: 2021-09-10. Review status: criteria provided, single submitter. Criteria: ACMG Guidelines, 2015. Collection method: clinical testing. Allele origin: germline. Affected: no.

Women's Health and Genetics/Laboratory Corporation of America, LabCorp
Classification: Benign. Last evaluated: 2020-01-06. Review status: criteria provided, single submitter. Criteria: LabCorp Variant Classification Summary - May 2015. Collection method: clinical testing. Allele origin: germline.

Illumina Laboratory Services, Illumina
Classification: Benign for Early-onset myopathy with fatal cardiomyopathy. Last evaluated: 2018-01-13. Review status: criteria provided, single submitter. Criteria: ICSL Variant Classification Criteria 13 December 2019. Collection method: clinical testing. Allele origin: germline.
Comment: This variant was observed in the ICSL laboratory as part of a predisposition screen in an ostensibly healthy population. It had not been previously curated by ICSL or reported in the Human Gene Mutation Database (HGMD: prior to June 1st, 2018), and was therefore a candidate for classification through an automated scoring system. Utilizing variant allele frequency, disease prevalence and penetrance estimates, and inheritance mode, an automated score was calculated to assess if this variant is too frequent to cause the disease. Based on the score and internal cut-off values, a variant classified as benign is not then subjected to further curation. The score for this variant resulted in a classification of benign for this disease.

Illumina Laboratory Services, Illumina
Classification: Benign for Autosomal recessive limb-girdle muscular dystrophy type 2J. Last evaluated: 2018-01-13. Review status: criteria provided, single submitter. Criteria: ICSL Variant Classification Criteria 13 December 2019. Collection method: clinical testing. Allele origin: germline.
Comment: the same text as in the submission from Illumina Laboratory Services, Illumina above.

Illumina Laboratory Services, Illumina
Classification: Benign for Myopathy, myofibrillar, 9, with early respiratory failure. Last evaluated: 2018-01-13. Review status: criteria provided, single submitter. Criteria: ICSL Variant Classification Criteria 13 December 2019. Collection method: clinical testing. Allele origin: germline.
Comment: the same text as in the submission from Illumina Laboratory Services, Illumina above.

Illumina Laboratory Services, Illumina
Classification: Benign for Tibial muscular dystrophy. Last evaluated: 2018-01-13. Review status: criteria provided, single submitter. Criteria: ICSL Variant Classification Criteria 13 December 2019. Collection method: clinical testing. Allele origin: germline.
Comment: the same text as in the submission from Illumina Laboratory Services, Illumina above.

Illumina Laboratory Services, Illumina
Classification: Benign for Dilated cardiomyopathy 1G. Last evaluated: 2018-01-13. Review status: criteria provided, single submitter. Criteria: ICSL Variant Classification Criteria 13 December 2019. Collection method: clinical testing. Allele origin: germline.
Comment: the same text as in the submission from Illumina Laboratory Services, Illumina above.

Mayo Clinic Laboratories, Mayo Clinic
Classification: Benign. Last evaluated: 2017-08-24. Review status: criteria provided, single submitter. Criteria: ACMG Guidelines, 2015. Collection method: clinical testing. Allele origin: germline. Observed: 195 variant alleles.

Genetic Services Laboratory, University of Chicago
Classification: Benign for AllHighlyPenetrant. Last evaluated: 2013-08-15. Review status: criteria provided, single submitter. Criteria: ACMG Guidelines, 2007. Collection method: clinical testing. Allele origin: germline.

Ambry Genetics
Classification: Benign for Cardiovascular phenotype. Last evaluated: 2013-01-16. Review status: criteria provided, single submitter. Criteria: Ambry Autosomal Dominant and X-Linked criteria (10/2015). Collection method: clinical testing. Allele origin: germline. Observed: 1 variant allele.

GeneDx
Classification: Benign. Last evaluated: 2012-10-31. Review status: criteria provided, single submitter. Criteria: GeneDx Variant Classification (06012015). Collection method: clinical testing. Allele origin: germline. Affected: yes.
Comment: This variant is considered likely benign or benign based on one or more of the following criteria: it is a conservative change, it occurs at a poorly conserved position in the protein, it is predicted to be benign by multiple in silico algorithms, and/or has population frequency not consistent with disease.

Laboratory for Molecular Medicine, Mass General Brigham Personalized Medicine
Classification: Benign. Last evaluated: 2012-05-22. Review status: criteria provided, single submitter. Criteria: LMM Criteria. Collection method: clinical testing. Allele origin: germline. Observed: 140 variant alleles.

Breakthrough Genomics
Classification: Benign. Review status: criteria provided, single submitter. Criteria: ACMG Guidelines, 2015. Collection method: not provided. Allele origin: germline. Inheritance: Autosomal recessive inheritance. Affected: yes.

PreventionGenetics, part of Exact Sciences
Classification: Benign. Review status: criteria provided, single submitter. Criteria: ACMG Guidelines, 2015. Collection method: clinical testing. Allele origin: germline.

Clinical Genetics DNA and cytogenetics Diagnostics Lab, Erasmus MC, Erasmus Medical Center
Classification: Benign. Review status: no assertion criteria provided. Collection method: clinical testing. Allele origin: germline. Affected: yes. Study: VKGL Data-share Consensus. Not counted in ClinVar's aggregate classification.

Clinical Genetics, Academic Medical Center
Classification: Benign. Review status: no assertion criteria provided. Collection method: clinical testing. Allele origin: germline. Affected: yes. Study: VKGL Data-share Consensus. Not counted in ClinVar's aggregate classification.

Laboratory of Diagnostic Genome Analysis, Leiden University Medical Center (LUMC)
Classification: Benign. Review status: no assertion criteria provided. Collection method: clinical testing. Allele origin: germline. Affected: yes. Study: VKGL Data-share Consensus. Not counted in ClinVar's aggregate classification.

NM_001267550.2(TTN):c.105582C>T (p.Ser35194=)

Genes: TTN (titin; minus strand), TTN-AS1 (TTN antisense RNA 1; plus strand), LOC129935183 (ATAC-STARR-seq lymphoblastoid active region 16808; plus strand). Cytogenetic location: 2q31.2.
Variant type: single nucleotide variant.
Coding change: c.105582C>T on transcript NM_001267550.2 (MANE Select); coding-DNA position 105582, C replaced by T.
Protein change: p.Ser35194=; no amino-acid change (serine 35194 retained).
Molecular consequence: synonymous variant.
Genome position (GRCh38, 1-based): chr2:178,531,033, G>A on the plus strand (C>T on the coding strand, the complement: TTN is on the minus strand). VCF-style: chr2-178531033-G-A. GRCh37 (hg19) VCF-style: chr2-179395760-G-A.
Other names: p.S32626S:TCC>TCT; p.Ser32626=; c.100659C>T, p.Ser33553= (NM_001256850.1); c.78387C>T, p.Ser26129= (NM_003319.4); c.97878C>T, p.Ser32626= (NM_133378.4); c.78762C>T, p.Ser26254= (NM_133432.3); c.78963C>T, p.Ser26321= (NM_133437.4).
Identifiers: ClinVar variation 47694 (VCV000047694.35), dbSNP rs3829749, ClinGen allele CA284338.